The following is an entry in ClinVar:

ClinVar aggregate classification (germline): Uncertain significance (1 of 4 stars; one submission).

Conditions:
Metachromatic leukodystrophy (MLD). Also called: Arylsulfatase A Deficiency; SULFATIDE LIPIDOSIS; ARSA DEFICIENCY; CEREBROSIDE SULFATASE DEFICIENCY; METACHROMATIC LEUKOENCEPHALOPATHY; Cerebral sclerosis diffuse metachromatic form. Identifiers: Orphanet 512, MedGen C0023522, MONDO:0018868, OMIM 250100.

Submission:

Labcorp Genetics (formerly Invitae), Labcorp
Classification: Uncertain significance for Metachromatic leukodystrophy. Last evaluated: 2021-12-02. Review status: criteria provided, single submitter. Criteria: Invitae Variant Classification Sherloc (09022015). Collection method: clinical testing. Allele origin: germline.
Comment: This sequence change replaces leucine, which is neutral and non-polar, with arginine, which is basic and polar, at codon 433 of the ARSA protein (p.Leu433Arg). This variant is not present in population databases (gnomAD no frequency). This variant has not been reported in the literature in individuals affected with ARSA-related conditions. Advanced modeling of protein sequence and biophysical properties (such as structural, functional, and spatial information, amino acid conservation, physicochemical variation, residue mobility, and thermodynamic stability) performed at Invitae indicates that this missense variant is expected to disrupt ARSA protein function. In summary, the available evidence is currently insufficient to determine the role of this variant in disease. Therefore, it has been classified as a Variant of Uncertain Significance.

NM_000487.6(ARSA):c.1298T>G (p.Leu433Arg)

Gene: ARSA (arylsulfatase A; minus strand). Cytogenetic location: 22q13.33.
Variant type: single nucleotide variant.
Coding change: c.1298T>G on transcript NM_000487.6 (MANE Select); coding-DNA position 1298, T replaced by G.
Protein change: p.Leu433Arg; replaces leucine 433 with arginine.
Molecular consequence: missense variant.
Genome position (GRCh38, 1-based): chr22:50,625,377, A>C on the plus strand (T>G on the coding strand, the complement: ARSA is on the minus strand). VCF-style: chr22-50625377-A-C. GRCh37 (hg19) VCF-style: chr22-51063805-A-C.
Other names: c.1298T>G, p.Leu433Arg (NM_001085425.3, NM_001085426.3, NM_001085427.3); c.1040T>G, p.Leu347Arg (NM_001085428.3, NM_001362782.2); short protein forms L433R, L347R.
Identifiers: ClinVar variation 1506576 (VCV001506576.8), dbSNP rs2146716505, ClinGen allele CA412168813.